The following is an entry in ClinVar:

ClinVar aggregate classification (germline): Uncertain significance (1 of 4 stars; one submission).

Allele frequency attached by ClinVar (database versions not stated): gnomAD 0.00001; gnomAD exomes 0.00001; TOPMed 0.00001; ExAC 0.00002.

Submission:

CeGaT Center for Human Genetics Tuebingen
Classification: Uncertain significance. Last evaluated: 2022-04-01. Review status: criteria provided, single submitter. Criteria: CeGaT Center For Human Genetics Tuebingen Variant Classification Criteria Version 2. Collection method: clinical testing. Allele origin: germline. Affected: yes. Observed: 1 variant allele.
Comment: PUS1: PM2

NM_025215.6(PUS1):c.749C>T (p.Ser250Leu)

Gene: PUS1 (pseudouridine synthase 1; plus strand). Cytogenetic location: 12q24.33.
Variant type: single nucleotide variant.
Coding change: c.749C>T on transcript NM_025215.6 (MANE Select); coding-DNA position 749, C replaced by T.
Protein change: p.Ser250Leu; replaces serine 250 with leucine.
Molecular consequence: missense variant.
Genome position (GRCh38, 1-based): chr12:131,941,496, C>T. VCF-style: chr12-131941496-C-T. GRCh37 (hg19) VCF-style: chr12-132426041-C-T.
Other names: c.665C>T, p.Ser222Leu (NM_001002019.3, NM_001002020.3); short protein forms S222L, S250L.
Identifiers: ClinVar variation 2643613 (VCV002643613.24), dbSNP rs771814798, ClinGen allele CA6884233.